The following is an entry in ClinVar:

ClinVar aggregate classification (germline): Likely pathogenic (1 of 4 stars; one submission).

Conditions:
COL1A1-related disorder. Also called: COL1A1- related disease; COL1A1-related condition.

gnomAD v4.1: 1 of 1,461,870 alleles (0.000068%); highest among the groups gnomAD compares: Non-Finnish European, 0.000091%; no homozygotes.

Submission:

PreventionGenetics, part of Exact Sciences
Classification: Likely pathogenic for COL1A1-related condition. Last evaluated: 2024-12-12. Review status: criteria provided, single submitter. Criteria: ACMG Guidelines, 2015. Collection method: clinical testing. Allele origin: germline.
Comment: The COL1A1 c.466G>T variant is predicted to result in premature protein termination (p.Gly156*). To our knowledge, this variant has not been reported in the literature or in a large population database (gnomAD), indicating this variant is rare. Nonsense variants in COL1A1 are expected to be pathogenic. This variant is interpreted as likely pathogenic.

NM_000088.4(COL1A1):c.466G>T (p.Gly156Ter)

Gene: COL1A1 (collagen type I alpha 1 chain; minus strand). Cytogenetic location: 17q21.33.
Variant type: single nucleotide variant.
Coding change: c.466G>T on transcript NM_000088.4 (MANE Select); coding-DNA position 466, G replaced by T.
Protein change: p.Gly156Ter; replaces glycine 156 with a stop codon.
Molecular consequence: nonsense.
Genome position (GRCh38, 1-based): chr17:50,199,231, C>A on the plus strand (G>T on the coding strand, the complement: COL1A1 is on the minus strand). VCF-style: chr17-50199231-C-A. GRCh37 (hg19) VCF-style: chr17-48276592-C-A.
Other names: short protein forms G156*.
Identifiers: ClinVar variation 4997149 (VCV004997149.1).